The following is an entry in ClinVar:

ClinVar aggregate classification (germline): Uncertain significance (1 of 4 stars; one submission).

Submission:

Labcorp Genetics (formerly Invitae), Labcorp
Classification: Uncertain significance. Last evaluated: 2025-12-15. Review status: criteria provided, single submitter. Criteria: Invitae Variant Classification Sherloc (09022015). Collection method: clinical testing. Allele origin: germline.
Comment: This sequence change replaces glutamic acid, which is acidic and polar, with aspartic acid, which is acidic and polar, at codon 163 of the NAF1 protein (p.Glu163Asp). This variant is not present in population databases (gnomAD no frequency). This variant has not been reported in the literature in individuals affected with NAF1-related conditions. An algorithm developed to predict the effect of missense changes on protein structure and function (PolyPhen-2) suggests that this variant is likely to be tolerated. In summary, the available evidence is currently insufficient to determine the role of this variant in disease. Therefore, it has been classified as a Variant of Uncertain Significance.

NM_138386.3(NAF1):c.489G>C (p.Glu163Asp)

Gene: NAF1 (nuclear assembly factor 1 ribonucleoprotein; minus strand). Cytogenetic location: 4q32.2.
Variant type: single nucleotide variant.
Coding change: c.489G>C on transcript NM_138386.3 (MANE Select); coding-DNA position 489, G replaced by C.
Protein change: p.Glu163Asp; replaces glutamic acid 163 with aspartic acid.
Molecular consequence: missense variant.
Genome position (GRCh38, 1-based): chr4:163,164,268, C>G on the plus strand (G>C on the coding strand, the complement: NAF1 is on the minus strand). VCF-style: chr4-163164268-C-G. GRCh37 (hg19) VCF-style: chr4-164085420-C-G.
Other names: c.489G>C, p.Glu163Asp (NM_001128931.2); short protein forms E163D.
Identifiers: ClinVar variation 4696073 (VCV004696073.1).